The following is an entry in ClinVar:

ClinVar aggregate classification (germline): Conflicting classifications of pathogenicity. Review status: criteria provided, conflicting classifications (1 of 4 stars). 4 submissions from 4 submitters: Uncertain significance (3); Likely benign (1). Last evaluated 2026-01-12.

Conditions:
Rare genetic deafness. Identifiers: Orphanet 96210, MedGen C5680250.
STRC-related disorder. Also called: STRC-related condition.

Allele frequency attached by ClinVar (database versions not stated): gnomAD exomes 0.00009; gnomAD 0.00011; ExAC 0.00037; 1000 Genomes Project 0.00120; 1000 Genomes Project 30x 0.00125.
gnomAD v4.1: 150 of 1,600,766 alleles (0.0094%); highest among the groups gnomAD compares: South Asian, 0.11%; 3 homozygotes.

Submissions (4):

PreventionGenetics, part of Exact Sciences
Classification: Uncertain significance for STRC-related condition. Last evaluated: 2026-01-12. Review status: criteria provided, single submitter. Criteria: ACMG Guidelines, 2015. Collection method: clinical testing. Allele origin: germline.
Comment: The STRC c.3795G>A variant is not predicted to result in an amino acid change (p.=). This variant occurs at the first nucleotide of exon 19 and is predicted to impact splicing based on some splicing prediction programs (Alamut Visual Plus v1.6.1), while more recent programs do not predict an effect on splicing (SpliceAI, Jaganathan et al. 2019. PubMed ID: 30661751). This variant corresponds to a known STRCP1 pseudogene variant. To our knowledge, this variant has not been reported in the literature. This variant is reported in 0.18% of alleles in individuals of South Asian descent in gnomAD, although allele frequency estimates are unreliable at this locus due to paralogy. At this time, the clinical significance of this variant is uncertain due to the absence of conclusive functional and genetic evidence.

CeGaT Center for Human Genetics Tuebingen
Classification: Likely benign. Last evaluated: 2025-05-01. Review status: criteria provided, single submitter. Criteria: CeGaT Center For Human Genetics Tuebingen Variant Classification Criteria Version 2. Collection method: clinical testing. Allele origin: germline. Affected: yes. Observed: 1 variant allele.
Comment: STRC: BP4, BP7

Blueprint Genetics
Classification: Uncertain significance. Last evaluated: 2024-11-14. Review status: criteria provided, single submitter. Criteria: ACMG Guidelines, 2015. Collection method: clinical testing. Allele origin: germline.

Laboratory for Molecular Medicine, Mass General Brigham Personalized Medicine
Classification: Uncertain significance for Rare genetic deafness. Last evaluated: 2021-10-12. Review status: criteria provided, single submitter. Criteria: ACMG Guidelines, 2015. Collection method: clinical testing. Allele origin: germline.
Comment: The p.Pro1265Pro variant in STRC has not been previously reported in individuals with hearing loss but has been identified in 0.18% (50/28454) of South Asian chromosomes, including 1 homozygote, by gnomAD. This variant does not alter an amino acid residue; however, it is located in the last three bases of the exon, which is part of the 3’ splice region. Computational tools predic a possible splicing impact, though this information is not predictive enough to determine pathogenicity. In summary, the clinical significance of this variant is uncertain. ACMG/AMP Criteria applied: PP3.

NM_153700.2(STRC):c.3795G>A (p.Pro1265=)

Gene: STRC (stereocilin; minus strand). Cytogenetic location: 15q15.3.
Variant type: single nucleotide variant.
Coding change: c.3795G>A on transcript NM_153700.2 (MANE Select); coding-DNA position 3795, G replaced by A.
Protein change: p.Pro1265=; no amino-acid change (proline 1265 retained).
Molecular consequence: synonymous variant.
Genome position (GRCh38, 1-based): chr15:43,605,399, C>T on the plus strand (G>A on the coding strand, the complement: STRC is on the minus strand). VCF-style: chr15-43605399-C-T. GRCh37 (hg19) VCF-style: chr15-43897597-C-T.
Identifiers: ClinVar variation 3048594 (VCV003048594.15), dbSNP rs2614833, ClinGen allele CA7528209.